The following is an entry in ClinVar:

NM_002968.3(SALL1):c.2555C>G (p.Ser852Cys)

Gene: SALL1 (spalt like transcription factor 1; minus strand). Cytogenetic location: 16q12.1.
Variant type: single nucleotide variant.
Coding change: c.2555C>G on transcript NM_002968.3 (MANE Select); coding-DNA position 2555, C replaced by G.
Protein change: p.Ser852Cys; replaces serine 852 with cysteine.
Molecular consequence: missense variant.
Genome position (GRCh38, 1-based): chr16:51,139,667, G>C on the plus strand (C>G on the coding strand, the complement: SALL1 is on the minus strand). VCF-style: chr16-51139667-G-C. GRCh37 (hg19) VCF-style: chr16-51173578-G-C.
Other names: c.2264C>G, p.Ser755Cys (NM_001127892.2); short protein forms S755C, S852C.
Identifiers: ClinVar variation 2817408 (VCV002817408.3), dbSNP rs1430757664, ClinGen allele CA395884515.

ClinVar aggregate classification (germline): Uncertain significance (1 of 4 stars; one submission).

Conditions:
Townes syndrome (TBS). Also called: Townes-Brocks syndrome. Identifiers: Orphanet 857, MedGen C0265246, MeSH C536974, MONDO:0007142.

Submission:

Labcorp Genetics (formerly Invitae), Labcorp
Classification: Uncertain significance for Townes syndrome. Last evaluated: 2022-12-20. Review status: criteria provided, single submitter. Criteria: Invitae Variant Classification Sherloc (09022015). Collection method: clinical testing. Allele origin: germline.
Comment: In summary, the available evidence is currently insufficient to determine the role of this variant in disease. Therefore, it has been classified as a Variant of Uncertain Significance. Advanced modeling of protein sequence and biophysical properties (such as structural, functional, and spatial information, amino acid conservation, physicochemical variation, residue mobility, and thermodynamic stability) performed at Invitae indicates that this missense variant is not expected to disrupt SALL1 protein function. This variant has not been reported in the literature in individuals affected with SALL1-related conditions. This variant is not present in population databases (gnomAD no frequency). This sequence change replaces serine, which is neutral and polar, with cysteine, which is neutral and slightly polar, at codon 852 of the SALL1 protein (p.Ser852Cys).